The following is an entry in ClinVar:

NM_003890.3(FCGBP):c.7467A>G (p.Leu2489=)

Gene: FCGBP (Fc gamma binding protein; minus strand). Cytogenetic location: 19q13.2.
Variant type: Variation.
Coding change: c.7467A>G on transcript NM_003890.3 (MANE Select); coding-DNA position 7467, A replaced by G.
Protein change: p.Leu2489=; no amino-acid change (leucine 2489 retained).
Molecular consequence: synonymous variant.
Genome position: GRCh38 VCF-style: chr19-39905857-C-C. GRCh37 (hg19) VCF-style: chr19-40395930-T-C.
Identifiers: ClinVar variation 4533507 (VCV004533507.6).

ClinVar aggregate classification (germline): Likely benign (1 of 4 stars; one submission).

Submission:

CeGaT Center for Human Genetics Tuebingen
Classification: Likely benign. Last evaluated: 2026-03-01. Review status: criteria provided, single submitter. Criteria: CeGaT Center For Human Genetics Tuebingen Variant Classification Criteria Version 2. Collection method: clinical testing. Allele origin: germline. Affected: yes. Observed: 2 variant alleles.
Comment: FCGBP: PM2:Supporting, BP4, BP7